The following is an entry in ClinVar:

ClinVar aggregate classification (germline): Likely benign. Review status: criteria provided, multiple submitters, no conflicts (2 of 4 stars). 4 submissions from 4 submitters: Likely benign (3). 1 of the submissions does not count toward it. Last evaluated 2025-12-16.

Conditions:
Hereditary spherocytosis type 1. Also called: Spherocytosis type 1; ANK1-Related Spherocytosis. Identifiers: Orphanet 822, MedGen C2674218, MONDO:0008447, OMIM 182900.
ANK1-related disorder. Also called: ANK1-related condition.

Allele frequency attached by ClinVar (database versions not stated): gnomAD 0.00066 and 0.00069; ESP Exome Variant Server 0.00069; TOPMed 0.00074; 1000 Genomes Project 30x 0.00094; 1000 Genomes Project 0.00100; gnomAD exomes 0.00008 and 0.00016; ExAC 0.00019.
gnomAD v4.1: 226 of 1,613,414 alleles (0.014%); highest among the groups gnomAD compares: African/African-American, 0.23%; no homozygotes.

Submissions (4):

Labcorp Genetics (formerly Invitae), Labcorp
Classification: Likely benign. Last evaluated: 2025-12-16. Review status: criteria provided, single submitter. Criteria: Invitae Variant Classification Sherloc (09022015). Collection method: clinical testing. Allele origin: germline.

ARUP Laboratories, Molecular Genetics and Genomics, ARUP Laboratories
Classification: Likely benign for Hereditary spherocytosis type 1. Last evaluated: 2023-11-16. Review status: criteria provided, single submitter. Criteria: ARUP Molecular Germline Variant Investigation Process 2024. Collection method: clinical testing. Allele origin: germline.

Breakthrough Genomics
Classification: Likely benign. Review status: criteria provided, single submitter. Criteria: ACMG Guidelines, 2015. Collection method: not provided. Allele origin: germline. Inheritance: Autosomal dominant inheritance. Affected: yes.

PreventionGenetics, part of Exact Sciences
Classification: Likely benign for ANK1-related condition. Last evaluated: 2019-07-26. Review status: no assertion criteria provided. Collection method: clinical testing. Allele origin: germline. Not counted in ClinVar's aggregate classification.
Comment: This variant is classified as likely benign based on ACMG/AMP sequence variant interpretation guidelines (Richards et al. 2015 PMID: 25741868, with internal and published modifications).

NM_000037.4(ANK1):c.2844C>T (p.Arg948=)

Gene: ANK1 (ankyrin 1; minus strand). Cytogenetic location: 8p11.21.
Variant type: single nucleotide variant.
Coding change: c.2844C>T on transcript NM_000037.4 (MANE Select); coding-DNA position 2844, C replaced by T.
Protein change: p.Arg948=; no amino-acid change (arginine 948 retained).
Molecular consequence: synonymous variant.
Genome position (GRCh38, 1-based): chr8:41,696,479, G>A on the plus strand (C>T on the coding strand, the complement: ANK1 is on the minus strand). VCF-style: chr8-41696479-G-A. GRCh37 (hg19) VCF-style: chr8-41553997-G-A.
Other names: c.2844C>T (NM_020476.2); c.2967C>T, p.Arg989= (NM_001142446.2); c.2844C>T, p.Arg948= (NM_020475.3, NM_020476.3, NM_020477.3).
Identifiers: ClinVar variation 712803 (VCV000712803.10), dbSNP rs7001141, ClinGen allele CA4728063.
Genomic context (GRCh38, chr8:41,696,479, plus strand): 5'-CTCCTCGGCCAGTGGGGGCGGCGTGCTGAGCTTCTGGGGCTTGACCAGGCGGCAGGTGAT[G>A]CGGGTGGGCGCTGCGCACGTCCGTGGCGGGATCACCACTCGCAGGCCGTTGTGGCGACTT-3'
Protein context (NP_000028.3, residues 938-958): IPPRTCAAPT[Arg948=]ITCRLVKPQK